The following is an entry in ClinVar:

ClinVar aggregate classification (germline): Uncertain significance (1 of 4 stars; one submission).

Submission:

Dasa
Classification: Uncertain significance. Last evaluated: 2025-06-30. Review status: criteria provided, single submitter. Criteria: DASA Assertion Criteria. Collection method: clinical testing. Allele origin: germline.
Comment: NM_004780.3(TCEAL1):c.404A>G (p.Glu135Gly) is a missense variant that results in the substitution of glutamic acid with glycine. This variant is rare in population databases. Computational prediction algorithms are consistent with a benign effect. The currently available literature and clinical evidence are not sufficient to establish a definitive association between this variant and the reported condition. Therefore, this variant is classified as a variant of uncertain significance.

NM_004780.3(TCEAL1):c.404A>G (p.Glu135Gly)

Gene: TCEAL1 (transcription elongation factor A like 1; plus strand). Cytogenetic location: Xq22.2.
Variant type: single nucleotide variant.
Coding change: c.404A>G on transcript NM_004780.3 (MANE Select); coding-DNA position 404, A replaced by G.
Protein change: p.Glu135Gly; replaces glutamic acid 135 with glycine.
Molecular consequence: missense variant.
Genome position (GRCh38, 1-based): chrX:103,630,320, A>G. VCF-style: chrX-103630320-A-G. GRCh37 (hg19) VCF-style: chrX-102885248-A-G.
Other names: c.404A>G, p.Glu135Gly (NM_001006639.2, NM_001006640.2); short protein forms E135G.
Identifiers: ClinVar variation 4885549 (VCV004885549.2).